The following is an entry in ClinVar:

ClinVar aggregate classification (germline): Uncertain significance. Review status: criteria provided, single submitter (1 of 4 stars). 2 submissions from 2 submitters: Uncertain significance (1). 1 of the submissions does not count toward it. Last evaluated 2022-07-20.

Conditions:
Inborn genetic diseases. Identifiers: MedGen C0950123, MeSH D030342.
PRDM6-related disorder. Also called: PRDM6-related condition.

Allele frequency attached by ClinVar (database versions not stated): ExAC 0.00014; gnomAD 0.00017; TOPMed 0.00019; gnomAD exomes 0.00026.

Submissions (2):

Ambry Genetics
Classification: Uncertain significance for Inborn genetic diseases. Last evaluated: 2022-07-20. Review status: criteria provided, single submitter. Criteria: Ambry Variant Classification Scheme 2023. Collection method: clinical testing. Allele origin: germline.

PreventionGenetics, part of Exact Sciences
Classification: Likely benign for PRDM6-related condition. Last evaluated: 2024-05-31. Review status: no assertion criteria provided. Collection method: clinical testing. Allele origin: germline. Not counted in ClinVar's aggregate classification.
Comment: This variant is classified as likely benign based on ACMG/AMP sequence variant interpretation guidelines (Richards et al. 2015 PMID: 25741868, with internal and published modifications).

NM_001136239.4(PRDM6):c.1057G>A (p.Asp353Asn)

Gene: PRDM6 (PR/SET domain 6; plus strand). Cytogenetic location: 5q23.2.
Variant type: single nucleotide variant.
Coding change: c.1057G>A on transcript NM_001136239.4 (MANE Select); coding-DNA position 1057, G replaced by A.
Protein change: p.Asp353Asn; replaces aspartic acid 353 with asparagine.
Molecular consequence: missense variant.
Genome position (GRCh38, 1-based): chr5:123,159,542, G>A. VCF-style: chr5-123159542-G-A. GRCh37 (hg19) VCF-style: chr5-122495236-G-A.
Other names: short protein forms D353N.
Identifiers: ClinVar variation 2634264 (VCV002634264.3), dbSNP rs202224762, ClinGen allele CA3386413.
Genomic context (GRCh38, chr5:123,159,542, plus strand): 5'-TACTAAGCTGGGTTTTCTTTTGTTTTGAATAGGTCGAATATATTCTACCGAGCCTGTATA[G>A]ATATCCCTAGGGGCACCGAGCTTCTGGTGTGGTACAATGACAGCTATACGTCTTTCTTTG-3'
Protein context (NP_001129711.1, residues 343-363): RSNIFYRACI[Asp353Asn]IPRGTELLVW